The following is an entry in ClinVar:

NM_001365536.1(SCN9A):c.2009G>A (p.Cys670Tyr)

Genes: SCN9A (sodium voltage-gated channel alpha subunit 9; minus strand), SCN1A-AS1 (SCN1A and SCN9A antisense RNA 1; plus strand). Cytogenetic location: 2q24.3.
Variant type: single nucleotide variant.
Coding change: c.2009G>A on transcript NM_001365536.1 (MANE Select); coding-DNA position 2009, G replaced by A.
Protein change: p.Cys670Tyr; replaces cysteine 670 with tyrosine.
Molecular consequence: missense variant.
Genome position (GRCh38, 1-based): chr2:166,281,774, C>T on the plus strand (G>A on the coding strand, the complement: SCN9A is on the minus strand). VCF-style: chr2-166281774-C-T. GRCh37 (hg19) VCF-style: chr2-167138284-C-T.
Other names: c.1976G>A, p.Cys659Tyr (NM_002977.4); short protein forms C659Y, C670Y.
Identifiers: ClinVar variation 1010612 (VCV001010612.10), dbSNP rs1295530014, ClinGen allele CA349081277.

ClinVar aggregate classification (germline): Uncertain significance (1 of 4 stars; one submission).

Conditions:
Neuropathy, hereditary sensory and autonomic, type 2A (HSAN2A). Also called: WNK1-Related HSAN2 (HSAN2A); ACROOSTEOLYSIS, GIACCAI TYPE; ACROOSTEOLYSIS, NEUROGENIC; MORVAN DISEASE; NEUROPATHY, CONGENITAL SENSORY; NEUROPATHY, HEREDITARY SENSORY RADICULAR, AUTOSOMAL RECESSIVE. Identifiers: Orphanet 970, MedGen C2752089, MONDO:0024309, OMIM 201300.
Generalized epilepsy with febrile seizures plus, type 7 (GEFSP7). Also called: GEFS+, TYPE 7. Identifiers: Orphanet 36387, MedGen C2751778, MONDO:0013470, OMIM 613863.

Allele frequency attached by ClinVar (database versions not stated): gnomAD 0.00001; gnomAD exomes 0.00001.
gnomAD v4.1: 4 of 1,612,898 alleles (0.00025%); highest among the groups gnomAD compares: Admixed American, 0.0033%; no homozygotes.

Submission:

Labcorp Genetics (formerly Invitae), Labcorp
Classification: Uncertain significance for Neuropathy, hereditary sensory and autonomic, type 2A; Generalized epilepsy with febrile seizures plus, type 7. Last evaluated: 2024-10-29. Review status: criteria provided, single submitter. Criteria: Invitae Variant Classification Sherloc (09022015). Collection method: clinical testing. Allele origin: germline.
Comment: This sequence change replaces cysteine, which is neutral and slightly polar, with tyrosine, which is neutral and polar, at codon 659 of the SCN9A protein (p.Cys659Tyr). This variant is present in population databases (no rsID available, gnomAD 0.006%). This variant has not been reported in the literature in individuals affected with SCN9A-related conditions. ClinVar contains an entry for this variant (Variation ID: 1010612). Invitae Evidence Modeling of protein sequence and biophysical properties (such as structural, functional, and spatial information, amino acid conservation, physicochemical variation, residue mobility, and thermodynamic stability) indicates that this missense variant is not expected to disrupt SCN9A protein function with a negative predictive value of 95%. In summary, the available evidence is currently insufficient to determine the role of this variant in disease. Therefore, it has been classified as a Variant of Uncertain Significance.